The following is an entry in ClinVar:

ClinVar aggregate classification (germline): Uncertain significance (1 of 4 stars; one submission).

Conditions:
Cardiovascular phenotype. Identifiers: MedGen CN230736.

Submission:

Ambry Genetics
Classification: Uncertain significance for Cardiovascular phenotype. Last evaluated: 2025-02-27. Review status: criteria provided, single submitter. Criteria: Ambry Variant Classification Scheme 2023. Collection method: clinical testing. Allele origin: germline.
Comment: The p.Q381P variant (also known as c.1142A>C), located in coding exon 5 of the ALPK3 gene, results from an A to C substitution at nucleotide position 1142. The glutamine at codon 381 is replaced by proline, an amino acid with similar properties. This amino acid position is conserved. In addition, the in silico prediction for this alteration is inconclusive. Based on the available evidence, the clinical significance of this variant remains unclear.

NM_020778.5(ALPK3):c.536A>C (p.Gln179Pro)

Gene: ALPK3 (alpha kinase 3; plus strand). Cytogenetic location: 15q25.3.
Variant type: single nucleotide variant.
Coding change: c.536A>C on transcript NM_020778.5 (MANE Select); coding-DNA position 536, A replaced by C.
Protein change: p.Gln179Pro; replaces glutamine 179 with proline.
Molecular consequence: missense variant.
Genome position (GRCh38, 1-based): chr15:84,839,815, A>C. VCF-style: chr15-84839815-A-C. GRCh37 (hg19) VCF-style: chr15-85383046-A-C.
Other names: short protein forms Q179P.
Identifiers: ClinVar variation 3859564 (VCV003859564.1).